The following is an entry in ClinVar:

NM_139057.4(ADAMTS17):c.1762G>A (p.Glu588Lys)

Gene: ADAMTS17 (ADAM metallopeptidase with thrombospondin type 1 motif 17; minus strand). Cytogenetic location: 15q26.3.
Variant type: single nucleotide variant.
Coding change: c.1762G>A on transcript NM_139057.4 (MANE Select); coding-DNA position 1762, G replaced by A.
Protein change: p.Glu588Lys; replaces glutamic acid 588 with lysine.
Molecular consequence: missense variant.
Genome position (GRCh38, 1-based): chr15:100,116,973, C>T on the plus strand (G>A on the coding strand, the complement: ADAMTS17 is on the minus strand). VCF-style: chr15-100116973-C-T. GRCh37 (hg19) VCF-style: chr15-100657178-C-T.
Other names: short protein forms E588K.
Identifiers: ClinVar variation 3251111 (VCV003251111.18), dbSNP rs1034444216.

ClinVar aggregate classification (germline): Uncertain significance (1 of 4 stars; one submission).

Submission:

CeGaT Center for Human Genetics Tuebingen
Classification: Uncertain significance. Last evaluated: 2024-06-01. Review status: criteria provided, single submitter. Criteria: CeGaT Center For Human Genetics Tuebingen Variant Classification Criteria Version 2. Collection method: clinical testing. Allele origin: germline. Affected: yes. Observed: 1 variant allele.
Comment: ADAMTS17: PM2